The following is an entry in ClinVar:

NM_153460.4(IL17RC):c.1681G>A (p.Ala561Thr)

Gene: IL17RC (interleukin 17 receptor C; plus strand). Cytogenetic location: 3p25.3.
Variant type: single nucleotide variant.
Coding change: c.1681G>A on transcript NM_153460.4 (MANE Select); coding-DNA position 1681, G replaced by A.
Protein change: p.Ala561Thr; replaces alanine 561 with threonine.
Molecular consequence: missense variant. On other transcripts: non-coding transcript variant (1).
Genome position (GRCh38, 1-based): chr3:9,933,111, G>A. VCF-style: chr3-9933111-G-A. GRCh37 (hg19) VCF-style: chr3-9974795-G-A.
Other names: c.1546G>A, p.Ala516Thr (NM_001410711.1); c.1636G>A, p.Ala546Thr (NM_032732.6); c.1894G>A, p.Ala632Thr (NM_153461.4); c.1642G>A, p.Ala548Thr (NM_001203263.2); c.1591G>A, p.Ala531Thr (NM_001203264.2); c.1585G>A, p.Ala529Thr (NM_001203265.2); c.1603G>A, p.Ala535Thr (NM_001367278.1); c.1894G>A (NM_153461.3); and 2 more; short protein forms A529T, A546T, A508T, A531T, A516T, A535T, A561T, A632T.
Identifiers: ClinVar variation 3014433 (VCV003014433.4), dbSNP rs1028671923, ClinGen allele CA69998479.

ClinVar aggregate classification (germline): Uncertain significance. Review status: criteria provided, multiple submitters, no conflicts (2 of 4 stars). 2 submissions from 2 submitters: Uncertain significance (2). Last evaluated 2024-03-30.

Conditions:
Candidiasis, familial, 9 (CANDF9). Identifiers: Orphanet 1334, MedGen C4225324, MONDO:0014642, OMIM 616445.

Allele frequency attached by ClinVar (database versions not stated): gnomAD exomes below 0.00001; gnomAD 0.00001; TOPMed 0.00004.

Submissions (2):

Ambry Genetics
Classification: Uncertain significance. Last evaluated: 2024-03-30. Review status: criteria provided, single submitter. Criteria: Ambry Variant Classification Scheme 2023. Collection method: clinical testing. Allele origin: germline.

Labcorp Genetics (formerly Invitae), Labcorp
Classification: Uncertain significance for Candidiasis, familial, 9. Last evaluated: 2023-07-28. Review status: criteria provided, single submitter. Criteria: Invitae Variant Classification Sherloc (09022015). Collection method: clinical testing. Allele origin: germline.
Comment: In summary, the available evidence is currently insufficient to determine the role of this variant in disease. Therefore, it has been classified as a Variant of Uncertain Significance. An algorithm developed to predict the effect of missense changes on protein structure and function (PolyPhen-2) suggests that this variant is likely to be disruptive. This variant has not been reported in the literature in individuals affected with IL17RC-related conditions. The frequency data for this variant in the population databases is considered unreliable, as metrics indicate poor data quality at this position in the gnomAD database. This sequence change replaces alanine, which is neutral and non-polar, with threonine, which is neutral and polar, at codon 632 of the IL17RC protein (p.Ala632Thr).